The following is an entry in ClinVar:

NM_020919.4(ALS2):c.1113+1del

Gene: ALS2 (alsin Rho guanine nucleotide exchange factor ALS2; minus strand). Cytogenetic location: 2q33.1.
Variant type: Deletion.
Coding change: c.1113+1del on transcript NM_020919.4 (MANE Select); the canonical splice donor site of the intron after coding-DNA position 1113, one base deleted (G; older notation c.1113+1delG).
Molecular consequence: splice donor variant. On other transcripts: frameshift variant (1).
Genome position (GRCh38, 1-based): chr2:201,760,880, C deleted on the plus strand (G on the coding strand, the reverse complement: ALS2 is on the minus strand); the first of 2 consecutive C bases (chr2:201,760,880-201,760,881); deleting either gives the same sequence. VCF-style (leftmost placement, unchanged base first): chr2-201760879-AC-A. GRCh37 (hg19) VCF-style: chr2-202625602-AC-A.
Other names: c.1114del, p.Val372fs (NM_001135745.2); c.1113+1del (NM_001410975.1); short protein forms V372fs.
Identifiers: ClinVar variation 3713226 (VCV003713226.2).

ClinVar aggregate classification (germline): Pathogenic (1 of 4 stars; one submission).

Conditions:
Infantile-onset ascending hereditary spastic paralysis (IAHSP). Also called: Autosomal Recessive Juvenile Amyotrophic Lateral Sclerosis; Infantile-Onset Ascending Hereditary Spastic Paralysis (IAHSP). Identifiers: Orphanet 293168, MedGen C2931441, MONDO:0011797, OMIM 607225. Disease mechanism: loss of function.

Submission:

Labcorp Genetics (formerly Invitae), Labcorp
Classification: Pathogenic for Infantile-onset ascending hereditary spastic paralysis. Last evaluated: 2024-12-03. Review status: criteria provided, single submitter. Criteria: Invitae Variant Classification Sherloc (09022015). Collection method: clinical testing. Allele origin: germline.
Comment: This sequence change creates a premature translational stop signal (p.Gln371Hisfs*4) in the ALS2 gene. It is expected to result in an absent or disrupted protein product. Loss-of-function variants in ALS2 are known to be pathogenic (PMID: 11586298, 24315819). This variant is not present in population databases (gnomAD no frequency). This variant has not been reported in the literature in individuals affected with ALS2-related conditions. This variant is also known as c.1113+1del . Algorithms developed to predict the effect of sequence changes on RNA splicing suggest that this variant may disrupt the consensus splice site. For these reasons, this variant has been classified as Pathogenic.

Literature cited by the submitters: PubMed 11586298; PubMed 24315819.